The following is an entry in ClinVar:

NM_001005361.3(DNM2):c.2020C>T (p.Leu674Phe)

Gene: DNM2 (dynamin 2; plus strand). Cytogenetic location: 19p13.2.
Variant type: single nucleotide variant.
Coding change: c.2020C>T on transcript NM_001005361.3 (MANE Select); coding-DNA position 2020, C replaced by T.
Protein change: p.Leu674Phe; replaces leucine 674 with phenylalanine.
Molecular consequence: missense variant.
Genome position (GRCh38, 1-based): chr19:10,825,183, C>T. VCF-style: chr19-10825183-C-T. GRCh37 (hg19) VCF-style: chr19-10935859-C-T.
Other names: c.2020C>T, p.Leu674Phe (NM_001005360.3, NM_001190716.2); c.2008C>T, p.Leu670Phe (NM_001005362.3, NM_004945.4); short protein forms L670F, L674F.
Identifiers: ClinVar variation 1784553 (VCV001784553.2), dbSNP rs2513355151, ClinGen allele CA404041664.
Genomic context (GRCh38, chr19:10,825,183, plus strand): 5'-GAGACCATTCGCAACCTGGTGGACTCATACGTGGCCATCATCAACAAGTCCATCCGCGAC[C>T]TCATGCCAAAGACCATCATGCACCTCATGATCAACAATGTGAGTGGAGAACTAAAAATGA-3'
Protein context (NP_001005361.1, residues 664-684): VAIINKSIRD[Leu674Phe]MPKTIMHLMI

ClinVar aggregate classification (germline): Uncertain significance (1 of 4 stars; one submission).

Conditions:
Inborn genetic diseases. Identifiers: MedGen C0950123, MeSH D030342.

Submission:

Ambry Genetics
Classification: Uncertain significance for Inborn genetic diseases. Last evaluated: 2020-12-30. Review status: criteria provided, single submitter. Criteria: Ambry Variant Classification Scheme 2023. Collection method: clinical testing. Allele origin: germline.
Comment: The p.L674F variant (also known as c.2020C>T), located in coding exon 18 of the DNM2 gene, results from a C to T substitution at nucleotide position 2020. The leucine at codon 674 is replaced by phenylalanine, an amino acid with highly similar properties. This amino acid position is highly conserved in available vertebrate species. In addition, the in silico prediction for this alteration is inconclusive. Since supporting evidence is limited at this time, the clinical significance of this alteration remains unclear.